The following is an entry in ClinVar:

ClinVar aggregate classification (germline): Conflicting classifications of pathogenicity. Review status: criteria provided, conflicting classifications (1 of 4 stars). 5 submissions from 4 submitters: Uncertain significance (4); Benign (1). Last evaluated 2025-09-15.

Conditions:
Adams-Oliver syndrome 5 (AOS5). Identifiers: Orphanet 974, MedGen C4014970, MONDO:0014459, OMIM 616028.
Familial thoracic aortic aneurysm and aortic dissection (TAAD). Also called: Thoracic aortic aneurysms and dissections. Identifiers: Orphanet 91387, MedGen C4707243, MONDO:0019625.
Aortic valve disease 1 (AOVD1). Identifiers: MedGen C3887892, MONDO:0024523, OMIM 109730.

Allele frequency attached by ClinVar (database versions not stated): gnomAD 0.00003; TOPMed 0.00005.
gnomAD v4.1: 25 of 1,602,668 alleles (0.0016%); highest among the groups gnomAD compares: Admixed American, 0.022%; no homozygotes.

Submissions (5):

Labcorp Genetics (formerly Invitae), Labcorp
Classification: Benign for Adams-Oliver syndrome 5. Last evaluated: 2025-09-15. Review status: criteria provided, single submitter. Criteria: Invitae Variant Classification Sherloc (09022015). Collection method: clinical testing. Allele origin: germline.

Ambry Genetics
Classification: Uncertain significance for Familial thoracic aortic aneurysm and aortic dissection. Last evaluated: 2025-01-04. Review status: criteria provided, single submitter. Criteria: Ambry Variant Classification Scheme 2023. Collection method: clinical testing. Allele origin: germline.
Comment: The p.E515Q variant (also known as c.1543G>C), located in coding exon 9 of the NOTCH1 gene, results from a G to C substitution at nucleotide position 1543. The glutamic acid at codon 515 is replaced by glutamine, an amino acid with highly similar properties. This amino acid position is conserved. In addition, this alteration is predicted to be tolerated by in silico analysis. Based on the available evidence, the clinical significance of this variant remains unclear.

Genome-Nilou Lab
Classification: Uncertain significance for Adams-Oliver syndrome 5. Last evaluated: 2022-03-15. Review status: criteria provided, single submitter. Criteria: ACMG Guidelines, 2015. Collection method: clinical testing. Allele origin: germline. Affected: no.

Genome-Nilou Lab
Classification: Uncertain significance for Aortic valve disease 1. Last evaluated: 2022-03-15. Review status: criteria provided, single submitter. Criteria: ACMG Guidelines, 2015. Collection method: clinical testing. Allele origin: germline. Affected: no.

GeneDx
Classification: Uncertain significance. Last evaluated: 2016-11-23. Review status: criteria provided, single submitter. Criteria: GeneDx Variant Classification (06012015). Collection method: clinical testing. Allele origin: germline. Affected: yes.
Comment: A variant of uncertain significance has been identified in the NOTCH1 gene. The E515Q variant has not been published as a pathogenic variant, nor has it been reported as a benign variant to our knowledge. This variant was not observed in approximately 6,200 individuals of European and African American ancestry in the NHLBI Exome Sequencing Project, indicating it is not a common benign variant in these populations. The E515Q variant is a semi-conservative amino acid substitution, which may impact secondary protein structure as these residues differ in some properties. However, this substitution occurs at a position that is not conserved across species and where Glutamine is the wild type in several species. Finally, in silico analysis is inconsistent in its predictions as to whether or not the variant is damaging to the protein structure/function.

NM_017617.5(NOTCH1):c.1543G>C (p.Glu515Gln)

Gene: NOTCH1 (notch receptor 1; minus strand). Cytogenetic location: 9q34.3.
Variant type: single nucleotide variant.
Coding change: c.1543G>C on transcript NM_017617.5 (MANE Select); coding-DNA position 1543, G replaced by C.
Protein change: p.Glu515Gln; replaces glutamic acid 515 with glutamine.
Molecular consequence: missense variant.
Genome position (GRCh38, 1-based): chr9:136,517,284, C>G on the plus strand (G>C on the coding strand, the complement: NOTCH1 is on the minus strand). VCF-style: chr9-136517284-C-G. GRCh37 (hg19) VCF-style: chr9-139411736-C-G.
Other names: c.1543G>C, p.Glu515Gln (LRG_1122t1); short protein forms E515Q.
Identifiers: ClinVar variation 373499 (VCV000373499.10), dbSNP rs749085650, ClinGen allele CA5341753.